The following is an entry in ClinVar:

ClinVar aggregate classification (germline): Uncertain significance (1 of 4 stars; one submission).

Conditions:
Legius syndrome. Identifiers: Orphanet 137605, MedGen C1969623, MONDO:0012669, OMIM 611431. Disease mechanism: loss of function.

gnomAD v4.1: 1 of 1,613,840 alleles (0.000062%); highest among the groups gnomAD compares: Non-Finnish European, 0.000085%; no homozygotes.

Submission:

Labcorp Genetics (formerly Invitae), Labcorp
Classification: Uncertain significance for Legius syndrome. Last evaluated: 2025-11-08. Review status: criteria provided, single submitter. Criteria: Invitae Variant Classification Sherloc (09022015). Collection method: clinical testing. Allele origin: germline.
Comment: This sequence change replaces leucine, which is neutral and non-polar, with valine, which is neutral and non-polar, at codon 156 of the SPRED1 protein (p.Leu156Val). This variant is not present in population databases (gnomAD no frequency). This variant has not been reported in the literature in individuals affected with SPRED1-related conditions. Invitae Evidence Modeling of protein sequence and biophysical properties (such as structural, functional, and spatial information, amino acid conservation, physicochemical variation, residue mobility, and thermodynamic stability) indicates that this missense variant is not expected to disrupt SPRED1 protein function with a negative predictive value of 80%. In summary, the available evidence is currently insufficient to determine the role of this variant in disease. Therefore, it has been classified as a Variant of Uncertain Significance.

NM_152594.3(SPRED1):c.466C>G (p.Leu156Val)

Gene: SPRED1 (sprouty related EVH1 domain containing 1; plus strand). Cytogenetic location: 15q14.
Variant type: single nucleotide variant.
Coding change: c.466C>G on transcript NM_152594.3 (MANE Select); coding-DNA position 466, C replaced by G.
Protein change: p.Leu156Val; replaces leucine 156 with valine.
Molecular consequence: missense variant.
Genome position (GRCh38, 1-based): chr15:38,339,779, C>G. VCF-style: chr15-38339779-C-G. GRCh37 (hg19) VCF-style: chr15-38631980-C-G.
Other names: short protein forms L156V.
Identifiers: ClinVar variation 4742663 (VCV004742663.1).